The following is an entry in ClinVar:

NM_024824.5(ZC3H14):c.1071G>A (p.Lys357=)

Gene: ZC3H14 (zinc finger CCCH-type containing 14; plus strand). Cytogenetic location: 14q31.3.
Variant type: single nucleotide variant.
Coding change: c.1071G>A on transcript NM_024824.5 (MANE Select); coding-DNA position 1071, G replaced by A.
Protein change: p.Lys357=; no amino-acid change (lysine 357 retained).
Molecular consequence: synonymous variant. On other transcripts: non-coding transcript variant (1).
Genome position (GRCh38, 1-based): chr14:88,575,888, G>A. VCF-style: chr14-88575888-G-A. GRCh37 (hg19) VCF-style: chr14-89042232-G-A.
Other names: c.1071G>A, p.Lys357= (NM_001160104.2, NM_001326295.2, NM_001326296.2 and 9 more transcripts); c.969G>A, p.Lys323= (NM_001326297.2, NM_001326301.2, NM_001326303.2 and 3 more transcripts); c.606G>A, p.Lys202= (NM_001326300.2, NM_001326302.2, NM_001326304.2 and 5 more transcripts).
Identifiers: ClinVar variation 1337008 (VCV001337008.31), dbSNP rs147484262, ClinGen allele CA7300379.
Genomic context (GRCh38, chr14:88,575,888, plus strand): 5'-TAACTCTTTTAGACCTTCTCTTCCACCTTCTAAACAAGCTAACAAGAATCTGATTTTGAA[G>A]GCTATATCTGAAGCTCAAGAATCCGTAACAAAAACAACTAACTACTCTACAGGTAATTTA-3'
Protein context (NP_079100.2, residues 347-367): SKQANKNLIL[Lys357=]AISEAQESVT

ClinVar aggregate classification (germline): Benign/Likely benign. Review status: criteria provided, multiple submitters, no conflicts (2 of 4 stars). 5 submissions from 5 submitters: Benign (1); Likely benign (3). 1 of the submissions does not count toward it. Last evaluated 2025-02-16.

Conditions:
ZC3H14-related disorder. Also called: ZC3H14-related condition.

Allele frequency attached by ClinVar (database versions not stated): 1000 Genomes Project 30x 0.00016; 1000 Genomes Project 0.00020; ESP Exome Variant Server 0.00031; TOPMed 0.00035; gnomAD exomes 0.00041 and 0.00042; gnomAD 0.00045 and 0.00048; ExAC 0.00051.
gnomAD v4.1: 674 of 1,613,880 alleles (0.042%); highest among the groups gnomAD compares: Non-Finnish European, 0.05%; 3 homozygotes.

Submissions (5):

Laboratory of Genetics, Children's Clinical University Hospital Latvia
Classification: Benign. Last evaluated: 2025-02-16. Review status: criteria provided, single submitter. Criteria: ACMG Guidelines, 2015. Collection method: clinical testing. Allele origin: germline. Affected: yes.

CeGaT Center for Human Genetics Tuebingen
Classification: Likely benign. Last evaluated: 2024-05-01. Review status: criteria provided, single submitter. Criteria: CeGaT Center For Human Genetics Tuebingen Variant Classification Criteria Version 2. Collection method: clinical testing. Allele origin: germline. Affected: yes. Observed: 4 variant alleles.
Comment: ZC3H14: BP4, BP7

Genetic Services Laboratory, University of Chicago
Classification: Likely benign. Last evaluated: 2017-08-24. Review status: criteria provided, single submitter. Criteria: ACMG Guidelines, 2015. Collection method: clinical testing. Allele origin: germline. Affected: no.

Breakthrough Genomics
Classification: Likely benign. Review status: criteria provided, single submitter. Criteria: ACMG Guidelines, 2015. Collection method: not provided. Allele origin: germline. Inheritance: Autosomal recessive inheritance. Affected: yes.

PreventionGenetics, part of Exact Sciences
Classification: Likely benign for ZC3H14-related condition. Last evaluated: 2019-06-07. Review status: no assertion criteria provided. Collection method: clinical testing. Allele origin: germline. Not counted in ClinVar's aggregate classification.
Comment: This variant is classified as likely benign based on ACMG/AMP sequence variant interpretation guidelines (Richards et al. 2015 PMID: 25741868, with internal and published modifications).